The following is an entry in ClinVar:

NM_002658.6(PLAU):c.98G>C (p.Cys33Ser)

Genes: C10orf55 (chromosome 10 putative open reading frame 55; minus strand), PLAU (plasminogen activator, urokinase; plus strand). Cytogenetic location: 10q22.2.
Variant type: single nucleotide variant.
Coding change: c.98G>C on transcript NM_002658.6 (MANE Select); coding-DNA position 98, G replaced by C.
Protein change: p.Cys33Ser; replaces cysteine 33 with serine.
Molecular consequence: missense variant. On other transcripts: non-coding transcript variant (2), 5 prime UTR variant (1).
Genome position (GRCh38, 1-based): chr10:73,912,227, G>C. VCF-style: chr10-73912227-G-C. GRCh37 (hg19) VCF-style: chr10-75671985-G-C.
Other names: c.47G>C, p.Cys16Ser (NM_001145031.3); c.-161G>C (NM_001319191.2); short protein forms C16S, C33S.
Identifiers: ClinVar variation 3355195 (VCV003355195.1).
Genomic context (GRCh38, chr10:73,912,227, plus strand): 5'-CTTACCACTTCCACTCCCCCTCGCTTACCCCACCTTTGTTCTCTCCAGCGAACTGTGACT[G>C]TCTAAATGGAGGAACATGTGTGTCCAACAAGTACTTCTCCAACATTCACTGGTGCAACTG-3'
Protein context (NP_002649.2, residues 23-43): ELHQVPSNCD[Cys33Ser]LNGGTCVSNK

ClinVar aggregate classification (germline): Uncertain significance (0 of 4 stars; one submission).

Conditions:
PLAU-related disorder. Also called: PLAU-related condition.

gnomAD v4.1: 1 of 1,614,132 alleles (0.000062%); highest among the groups gnomAD compares: East Asian, 0.0022%; no homozygotes.

Submission:

PreventionGenetics, part of Exact Sciences
Classification: Uncertain significance for PLAU-related condition. Last evaluated: 2024-09-16. Review status: no assertion criteria provided. Collection method: clinical testing. Allele origin: germline.
Comment: The PLAU c.98G>C variant is predicted to result in the amino acid substitution p.Cys33Ser. To our knowledge, this variant has not been reported in the literature. This variant is reported in 0.0054% of alleles in individuals of East Asian descent in gnomAD. At this time, the clinical significance of this variant is uncertain due to the absence of conclusive functional and genetic evidence.